The following is an entry in ClinVar:

NM_001303256.3(MORC2):c.2702_2704dup (p.Leu901_Ser902insMet)

Gene: MORC2 (MORC family CW-type zinc finger 2; minus strand). Cytogenetic location: 22q12.2.
Variant type: Duplication.
Coding change: c.2702_2704dup on transcript NM_001303256.3 (MANE Select); coding-DNA positions 2702 to 2704, 3 bases duplicated (TGA; older notation c.2702_2704dupTGA).
Protein change: p.Leu901_Ser902insMet.
Molecular consequence: inframe insertion.
Genome position (GRCh38, 1-based): chr22:30,932,588-30,932,590, TCA duplicated on the plus strand (TGA on the coding strand, the reverse complement: MORC2 is on the minus strand). VCF-style (leftmost placement, unchanged base first): chr22-30932587-C-CTCA. GRCh37 (hg19) VCF-style: chr22-31328574-C-CTCA.
Other names: c.2702_2704dup, p.Leu901_Ser902insMet (NM_001303257.2); c.2516_2518dup, p.Leu839_Ser840insMet (NM_014941.3).
Identifiers: ClinVar variation 870696 (VCV000870696.46), dbSNP rs779496791, ClinGen allele CA10186586.

ClinVar aggregate classification (germline): Uncertain significance. Review status: criteria provided, multiple submitters, no conflicts (2 of 4 stars). 2 submissions from 2 submitters: Uncertain significance (2). Last evaluated 2025-05-30.

Conditions:
Charcot-Marie-Tooth disease axonal type 2Z. Also called: CHARCOT-MARIE-TOOTH DISEASE, AXONAL, AUTOSOMAL DOMINANT, TYPE 2Z; CHARCOT-MARIE-TOOTH NEUROPATHY, TYPE 2Z. Identifiers: Orphanet 466768, MedGen C5569025, MONDO:0014736, OMIM 616688.

Allele frequency attached by ClinVar (database versions not stated): ExAC 0.00002; gnomAD exomes 0.00002 and 0.00003; gnomAD 0.00007.

Submissions (2):

Labcorp Genetics (formerly Invitae), Labcorp
Classification: Uncertain significance for Charcot-Marie-Tooth disease axonal type 2Z. Last evaluated: 2025-05-30. Review status: criteria provided, single submitter. Criteria: Invitae Variant Classification Sherloc (09022015). Collection method: clinical testing. Allele origin: germline.
Comment: This variant, c.2702_2704dup, results in the insertion of 1 amino acid(s) of the MORC2 protein (p.Leu901_Ser902insMet), but otherwise preserves the integrity of the reading frame. This variant is present in population databases (rs779496791, gnomAD 0.03%). This variant has not been reported in the literature in individuals affected with MORC2-related conditions. ClinVar contains an entry for this variant (Variation ID: 870696). In summary, the available evidence is currently insufficient to determine the role of this variant in disease. Therefore, it has been classified as a Variant of Uncertain Significance.

CeGaT Center for Human Genetics Tuebingen
Classification: Uncertain significance. Last evaluated: 2019-10-01. Review status: criteria provided, single submitter. Criteria: CeGaT Center For Human Genetics Tuebingen Variant Classification Criteria Version 2. Collection method: clinical testing. Allele origin: germline. Affected: yes. Observed: 1 variant allele.